The following is an entry in ClinVar:

NM_004183.4(BEST1):c.82A>C (p.Ile28Leu)

Gene: BEST1 (bestrophin 1; plus strand). Cytogenetic location: 11q12.3.
Variant type: single nucleotide variant.
Coding change: c.82A>C on transcript NM_004183.4 (MANE Select); coding-DNA position 82, A replaced by C.
Protein change: p.Ile28Leu; replaces isoleucine 28 with leucine.
Molecular consequence: missense variant. On other transcripts: non-coding transcript variant (1), intron variant (6).
Genome position (GRCh38, 1-based): chr11:61,951,888, A>C. VCF-style: chr11-61951888-A-C. GRCh37 (hg19) VCF-style: chr11-61719360-A-C.
Other names: c.82A>C, p.Ile28Leu (NM_001363592.2, NM_001440571.1, NM_001440572.1 and 1 more transcripts); c.-29+1461A>C (NM_001139443.3, NM_001300787.2, NM_001440574.1 and 3 more transcripts); short protein forms I28L.
Identifiers: ClinVar variation 4800404 (VCV004800404.1).

ClinVar aggregate classification (germline): Uncertain significance (1 of 4 stars; one submission).

Submission:

Labcorp Genetics (formerly Invitae), Labcorp
Classification: Uncertain significance. Last evaluated: 2025-12-23. Review status: criteria provided, single submitter. Criteria: Invitae Variant Classification Sherloc (09022015). Collection method: clinical testing. Allele origin: germline.
Comment: This sequence change replaces isoleucine, which is neutral and non-polar, with leucine, which is neutral and non-polar, at codon 28 of the BEST1 protein (p.Ile28Leu). This variant is not present in population databases (gnomAD no frequency). This variant has not been reported in the literature in individuals affected with BEST1-related conditions. Invitae Evidence Modeling of protein sequence and biophysical properties (such as structural, functional, and spatial information, amino acid conservation, physicochemical variation, residue mobility, and thermodynamic stability) indicates that this missense variant is expected to disrupt BEST1 protein function with a positive predictive value of 95%. In summary, the available evidence is currently insufficient to determine the role of this variant in disease. Therefore, it has been classified as a Variant of Uncertain Significance.